The following is an entry in ClinVar:

ClinVar aggregate classification (germline): Benign. Review status: reviewed by expert panel (3 of 4 stars). 3 submissions from 3 submitters: Benign (1). 2 of the submissions do not count toward it. Last evaluated 2025-08-01.

Conditions:
RPGR-related retinopathy. Also called: RPGR retinopathy. Identifiers: MedGen CN305589, MONDO:0100437.

Allele frequency attached by ClinVar (database versions not stated): 1000 Genomes Project 30x 0.00770; 1000 Genomes Project 0.00901; gnomAD 0.01862 and 0.01996; TOPMed 0.01897; gnomAD exomes 0.02453.
gnomAD v4.1: 28,919 of 1,203,571 alleles (2.4%); highest among the groups gnomAD compares: Middle Eastern, 4%; 288 homozygotes.

Submissions (3):

ClinGen X-linked Inherited Retinal Disease Variant Curation Expert Panel, ClinGen
Classification: Benign for RPGR-related retinopathy. Last evaluated: 2025-08-01. Review status: reviewed by expert panel. Criteria: ClinGen X LinkedIRD ACMG Specifications RPGR V1.0.0. Collection method: curation. Allele origin: germline. Inheritance: X-linked inheritance.
Comment: NM_001034853.2(RPGR):c.*72A>G is a substitution of 1 base pair in the 3' untranslated region of RPGR. This variant is present in gnomAD v4.1.0 at a frequency of 0.02316 among hemizygous individuals, with 9,088 variant alleles / 392,403 total hemizygous alleles, which is higher than the ClinGen X-linked IRD VCEP BA1 threshold of >0.00005 (BA1). The splicing impact predictor SpliceAI gives a delta score of 0, which is below the ClinGen X-linked IRD VCEP recommended threshold of <0.1 and does not strongly predict an impact on splicing. However, BP4 is not considered applicable to 3' UTR variants in RPGR, so this code was not met. In summary, this variant is classified as benign for RPGR-related retinopathy by the ClinGen X-linked IRD VCEP based on the ClinGen X-linked Inherited Retinal Disease Expert Panel Specifications to the ACMG/AMP Variant Interpretation Guidelines for RPGR Version 1.0.0; BA1. (date of approval 05/16/2025).

GeneDx
Classification: Likely benign. Last evaluated: 2018-07-09. Review status: criteria provided, single submitter. Criteria: GeneDx Variant Classification Process June 2021. Collection method: clinical testing. Allele origin: germline. Affected: yes. Not counted in ClinVar's aggregate classification.

Breakthrough Genomics
Classification: Likely benign. Review status: criteria provided, single submitter. Criteria: ACMG Guidelines, 2015. Collection method: not provided. Allele origin: germline. Inheritance: X-linked inheritance. Affected: yes. Not counted in ClinVar's aggregate classification.

NM_001034853.2(RPGR):c.*72A>G

Gene: RPGR (retinitis pigmentosa GTPase regulator; minus strand). Cytogenetic location: Xp11.4.
Variant type: single nucleotide variant.
Coding change: c.*72A>G on transcript NM_001034853.2 (MANE Select); 72 bases downstream of the stop codon, A replaced by G.
Molecular consequence: 3 prime UTR variant. On other transcripts: intron variant (8).
Genome position (GRCh38, 1-based): chrX:38,285,468, T>C on the plus strand (A>G on the coding strand, the complement: RPGR is on the minus strand). VCF-style: chrX-38285468-T-C. GRCh37 (hg19) VCF-style: chrX-38144721-T-C.
Other names: c.1569+5491A>G (NM_001367249.1, NM_001367250.1); c.1902+1626A>G (NM_001367245.1); c.1386+5491A>G (NM_001367251.1); c.1719+1626A>G (NM_001367246.1); c.1572+5491A>G (NM_001367247.1); c.1905+1626A>G (NM_000328.3); c.1602+5491A>G (NM_001367248.1).
Identifiers: ClinVar variation 1199575 (VCV001199575.5), dbSNP rs139467624, ClinGen allele CA16621944.